The following is an entry in ClinVar:

NM_001005242.3(PKP2):c.451del (p.Ser151fs)

Gene: PKP2 (plakophilin 2; minus strand). Cytogenetic location: 12p11.21.
Variant type: Deletion.
Coding change: c.451del on transcript NM_001005242.3 (MANE Select); coding-DNA position 451, one base deleted (T; older notation c.451delT).
Protein change: p.Ser151fs; shifts the reading frame from serine 151.
Molecular consequence: frameshift variant.
Genome position (GRCh38, 1-based): chr12:32,878,429, A deleted on the plus strand (T on the coding strand, the reverse complement: PKP2 is on the minus strand); the first of 3 consecutive A bases (chr12:32,878,429-32,878,431); deleting any one gives the same sequence. VCF-style (leftmost placement, unchanged base first): chr12-32878428-GA-G. GRCh37 (hg19) VCF-style: chr12-33031362-GA-G.
Other names: c.449delT, p.Ser151Leufs (NM_001407155.1, NM_001407156.1, NM_001407157.1 and 1 more transcripts); c.122delT, p.Ser42Leufs (NM_001407158.1, NM_001407159.1, NM_001407160.1 and 1 more transcripts); c.451del, p.Ser151fs (NM_004572.4); c.451delT (NM_004572.3); short protein forms S151fs.
Identifiers: ClinVar variation 1741196 (VCV001741196.2), dbSNP rs2541342283, ClinGen allele CA2580085426.

ClinVar aggregate classification (germline): Pathogenic (1 of 4 stars; one submission).

Conditions:
Cardiovascular phenotype. Identifiers: MedGen CN230736.

Submission:

Ambry Genetics
Classification: Pathogenic for Cardiovascular phenotype. Last evaluated: 2017-01-19. Review status: criteria provided, single submitter. Criteria: Ambry Variant Classification Scheme 2023. Collection method: clinical testing. Allele origin: germline.
Comment: The c.451delT pathogenic mutation, located in coding exon 3 of the PKP2 gene, results from a deletion of one nucleotide at nucleotide position 451, causing a translational frameshift with a predicted alternate stop codon (p.S151Lfs*39). This alteration has been reported in an individual with arrhythmogenic right ventricular dysplasia/cardiomyopathy (ARVD/C) (Groeneweg JA et al. Circ Cardiovasc Genet, 2015 Jun;8:437-46). In addition to the clinical data presented in the literature, this alteration is expected to result in loss of function by premature protein truncation or nonsense-mediated mRNA decay. As such, this alteration is interpreted as a disease-causing mutation.

Literature cited by the submitters: PubMed 25820315.